The following is an entry in ClinVar:

ClinVar aggregate classification (germline): Uncertain significance (1 of 4 stars; one submission).

Conditions:
Neuroblastoma, susceptibility to, 3. Also called: ALK-Related Neuroblastic Tumor Susceptibility. Identifiers: Orphanet 635, MedGen C2751681, MONDO:0013083, OMIM 613014.

Submission:

Labcorp Genetics (formerly Invitae), Labcorp
Classification: Uncertain significance for Neuroblastoma, susceptibility to, 3. Last evaluated: 2024-08-20. Review status: criteria provided, single submitter. Criteria: Invitae Variant Classification Sherloc (09022015). Collection method: clinical testing. Allele origin: germline.
Comment: This sequence change replaces proline, which is neutral and non-polar, with leucine, which is neutral and non-polar, at codon 1599 of the ALK protein (p.Pro1599Leu). This variant is not present in population databases (gnomAD no frequency). This variant has not been reported in the literature in individuals affected with ALK-related conditions. An algorithm developed to predict the effect of missense changes on protein structure and function (PolyPhen-2) suggests that this variant is likely to be disruptive. In summary, the available evidence is currently insufficient to determine the role of this variant in disease. Therefore, it has been classified as a Variant of Uncertain Significance.

NM_004304.5(ALK):c.4796C>T (p.Pro1599Leu)

Gene: ALK (ALK receptor tyrosine kinase; minus strand). Cytogenetic location: 2p23.2.
Variant type: single nucleotide variant.
Coding change: c.4796C>T on transcript NM_004304.5 (MANE Select); coding-DNA position 4796, C replaced by T.
Protein change: p.Pro1599Leu; replaces proline 1599 with leucine.
Molecular consequence: missense variant.
Genome position (GRCh38, 1-based): chr2:29,193,291, G>A on the plus strand (C>T on the coding strand, the complement: ALK is on the minus strand). VCF-style: chr2-29193291-G-A. GRCh37 (hg19) VCF-style: chr2-29416157-G-A.
Other names: c.1592C>T, p.Pro531Leu (NM_001353765.2); short protein forms P531L, P1599L.
Identifiers: ClinVar variation 3684855 (VCV003684855.2).